The following is an entry in ClinVar:

NM_001382391.1(CSPP1):c.3040C>G (p.Gln1014Glu)

Genes: ARFGEF1 (ARF guanine nucleotide exchange factor 1; minus strand), CSPP1 (centrosome and spindle pole associated protein 1; plus strand). Cytogenetic location: 8q13.2.
Variant type: single nucleotide variant.
Coding change: c.3040C>G on transcript NM_001382391.1 (MANE Select); coding-DNA position 3040, C replaced by G.
Protein change: p.Gln1014Glu; replaces glutamine 1014 with glutamic acid.
Molecular consequence: missense variant. On other transcripts: 3 prime UTR variant (2).
Genome position (GRCh38, 1-based): chr8:67,175,367, C>G. VCF-style: chr8-67175367-C-G. GRCh37 (hg19) VCF-style: chr8-68087602-C-G.
Other names: c.*188G>C (NM_001413186.1, NM_001413187.1); c.1990C>G, p.Gln664Glu (NM_001291339.2); c.2959C>G, p.Gln987Glu (NM_001363131.2); c.2845C>G, p.Gln949Glu (NM_001363132.2); c.2764C>G, p.Gln922Glu (NM_001363133.2); c.3106C>G, p.Gln1036Glu (NM_001364869.1); c.2926C>G, p.Gln976Glu (NM_001364870.1); c.2872C>G, p.Gln958Glu (NM_001438330.1); and 2 more; short protein forms Q1009E, Q1014E, Q1036E, Q664E, Q922E, Q949E, Q976E, Q987E.
Identifiers: ClinVar variation 1055156 (VCV001055156.9), dbSNP rs374717800, ClinGen allele CA371197404.
Genomic context (GRCh38, chr8:67,175,367, plus strand): 5'-CGAGTTGATCTGAAATTTATGTACCTGGATCCTCCAAGAGATCATCACACCTTAGAGATT[C>G]AGCAGCAAGCCCTGCTAAGAGAGCAGCAGAAGAGGCTGAACAGAATAAAAATGCAGGAAG-3'
Protein context (NP_001369320.1, residues 1004-1024): PPRDHHTLEI[Gln1014Glu]QQALLREQQK

ClinVar aggregate classification (germline): Uncertain significance (1 of 4 stars; one submission).

Conditions:
Joubert syndrome 21 (JBTS21). Identifiers: MedGen C3810212, MONDO:0014288, OMIM 615636.

gnomAD v4.1: 8 of 1,613,846 alleles (0.0005%); highest among the groups gnomAD compares: African/African-American, 0.0027%; no homozygotes.

Submission:

Labcorp Genetics (formerly Invitae), Labcorp
Classification: Uncertain significance for Joubert syndrome 21. Last evaluated: 2025-08-11. Review status: criteria provided, single submitter. Criteria: Invitae Variant Classification Sherloc (09022015). Collection method: clinical testing. Allele origin: germline.
Comment: This sequence change replaces glutamine, which is neutral and polar, with glutamic acid, which is acidic and polar, at codon 1009 of the CSPP1 protein (p.Gln1009Glu). This variant is present in population databases (no rsID available, gnomAD 0.0009%). This variant has not been reported in the literature in individuals affected with CSPP1-related conditions. ClinVar contains an entry for this variant (Variation ID: 1055156). An algorithm developed to predict the effect of missense changes on protein structure and function outputs the following: PolyPhen-2: "Benign". The glutamic acid amino acid residue is found in multiple mammalian species, which suggests that this missense change does not adversely affect protein function. In summary, the available evidence is currently insufficient to determine the role of this variant in disease. Therefore, it has been classified as a Variant of Uncertain Significance.